The following is an entry in ClinVar:

ClinVar aggregate classification (germline): Uncertain significance (1 of 4 stars; one submission).

Conditions:
Adams-Oliver syndrome 5 (AOS5). Identifiers: Orphanet 974, MedGen C4014970, MONDO:0014459, OMIM 616028.

Submission:

Labcorp Genetics (formerly Invitae), Labcorp
Classification: Uncertain significance for Adams-Oliver syndrome 5. Last evaluated: 2025-11-27. Review status: criteria provided, single submitter. Criteria: Invitae Variant Classification Sherloc (09022015). Collection method: clinical testing. Allele origin: germline.
Comment: This sequence change replaces alanine, which is neutral and non-polar, with glycine, which is neutral and non-polar, at codon 2023 of the NOTCH1 protein (p.Ala2023Gly). This variant is not present in population databases (gnomAD no frequency). This variant has not been reported in the literature in individuals affected with NOTCH1-related conditions. Invitae Evidence Modeling of protein sequence and biophysical properties (such as structural, functional, and spatial information, amino acid conservation, physicochemical variation, residue mobility, and thermodynamic stability) has been performed for this missense variant. However, the output from this modeling did not meet the statistical confidence thresholds required to predict the impact of this variant on NOTCH1 protein function. In summary, the available evidence is currently insufficient to determine the role of this variant in disease. Therefore, it has been classified as a Variant of Uncertain Significance.

NM_017617.5(NOTCH1):c.6068C>G (p.Ala2023Gly)

Genes: NOTCH1 (notch receptor 1; minus strand), LOC126860794 (BRD4-independent group 4 enhancer GRCh37_chr9:139392592-139393791; plus strand). Cytogenetic location: 9q34.3.
Variant type: single nucleotide variant.
Coding change: c.6068C>G on transcript NM_017617.5 (MANE Select); coding-DNA position 6068, C replaced by G.
Protein change: p.Ala2023Gly; replaces alanine 2023 with glycine.
Molecular consequence: missense variant.
Genome position (GRCh38, 1-based): chr9:136,499,126, G>C on the plus strand (C>G on the coding strand, the complement: NOTCH1 is on the minus strand). VCF-style: chr9-136499126-G-C. GRCh37 (hg19) VCF-style: chr9-139393578-G-C.
Other names: short protein forms A2023G.
Identifiers: ClinVar variation 4740472 (VCV004740472.1).
Genomic context (GRCh38, chr9:136,499,126, plus strand): 5'-GGCGGTCCCGCCCCACGACAGAGCAGCCGTGCCCCCGTGGGCTCACCCAGGTCATCTACG[G>C]CGTTGACGTCGGCGTGTGAGTTGATGAGGTCCTCCAGCATGCCCTCCACGGCCAGGCGGG-3'
Protein context (NP_060087.3, residues 2013-2033): DLINSHADVN[Ala2023Gly]VDDLGKSALH